The following is an entry in ClinVar:

ClinVar aggregate classification (germline): Conflicting classifications of pathogenicity. Review status: criteria provided, conflicting classifications (1 of 4 stars). 3 submissions from 3 submitters: Uncertain significance (1); Benign (2). Last evaluated 2026-01-08.

Conditions:
Autosomal dominant hypocalcemia 1 (HYPOC1). Also called: HYPOCALCEMIA, FAMILIAL. Identifiers: MedGen C3715128, MONDO:0011013, OMIM 601198.
Familial hypocalciuric hypercalcemia (FHH). Also called: Familial benign hypercalcemia. Identifiers: Orphanet 405, MedGen C1809471, MONDO:0018458.
Nephrolithiasis/nephrocalcinosis. Identifiers: MedGen CN580796.

Allele frequency attached by ClinVar (database versions not stated): gnomAD exomes 0.00006; ExAC 0.00009; gnomAD 0.00012 and 0.00015; 1000 Genomes Project 30x 0.00016; TOPMed 0.00018; 1000 Genomes Project 0.00020; ESP Exome Variant Server 0.00023.
gnomAD v4.1: 48 of 1,614,222 alleles (0.003%); highest among the groups gnomAD compares: African/African-American, 0.063%; no homozygotes.

Submissions (3):

Labcorp Genetics (formerly Invitae), Labcorp
Classification: Benign for Familial hypocalciuric hypercalcemia; Autosomal dominant hypocalcemia 1. Last evaluated: 2026-01-08. Review status: criteria provided, single submitter. Criteria: Invitae Variant Classification Sherloc (09022015). Collection method: clinical testing. Allele origin: germline.

Ambry Genetics
Classification: Benign for Nephrolithiasis/nephrocalcinosis. Last evaluated: 2022-03-25. Review status: criteria provided, single submitter. Criteria: Ambry Variant Classification Scheme 2023. Collection method: clinical testing. Allele origin: germline.

Women's Health and Genetics/Laboratory Corporation of America, LabCorp
Classification: Uncertain significance. Last evaluated: 2021-07-16. Review status: criteria provided, single submitter. Criteria: LabCorp Variant Classification Summary - May 2015. Collection method: clinical testing. Allele origin: germline.
Comment: Variant summary: CASR c.757C>A (p.Gln253Lys) results in a conservative amino acid change located in the Receptor, ligand binding region of the encoded protein sequence. Four of four in-silico tools predict a benign effect of the variant on protein function. The variant allele was found at a frequency of 6.4e-05 in 251368 control chromosomes. The observed variant frequency is approximately 5 fold of the estimated maximal expected allele frequency for a pathogenic variant in CASR causing Familial Hypocalciuric Hypercalcemia phenotype (1.3e-05), suggesting that the variant is benign. To our knowledge, no occurrence of c.757C>A in individuals affected with Familial Hypocalciuric Hypercalcemia and no experimental evidence demonstrating its impact on protein function have been reported. One clinical diagnostic laboratory has submitted clinical-significance assessments for this variant to ClinVar after 2014 without evidence for independent evaluation. One laboratory classified the variant as uncertain significance. Based on the evidence outlined above, the variant was classified as VUS - possibly benign.

NM_000388.4(CASR):c.757C>A (p.Gln253Lys)

Gene: CASR (calcium sensing receptor; plus strand). Cytogenetic location: 3q21.1.
Variant type: single nucleotide variant.
Coding change: c.757C>A on transcript NM_000388.4 (MANE Select); coding-DNA position 757, C replaced by A.
Protein change: p.Gln253Lys; replaces glutamine 253 with lysine.
Molecular consequence: missense variant.
Genome position (GRCh38, 1-based): chr3:122,261,792, C>A. VCF-style: chr3-122261792-C-A. GRCh37 (hg19) VCF-style: chr3-121980639-C-A.
Other names: c.757C>A, p.Gln253Lys (NM_001178065.2); short protein forms Q253K.
Identifiers: ClinVar variation 410319 (VCV000410319.12), dbSNP rs202179597, ClinGen allele CA2569529.